The following is an entry in ClinVar:

ClinVar aggregate classification (germline): Pathogenic (1 of 4 stars; one submission).

Submission:

Labcorp Genetics (formerly Invitae), Labcorp
Classification: Pathogenic. Last evaluated: 2022-08-27. Review status: criteria provided, single submitter. Criteria: Invitae Variant Classification Sherloc (09022015). Collection method: clinical testing. Allele origin: germline.
Comment: For these reasons, this variant has been classified as Pathogenic. This variant has not been reported in the literature in individuals affected with MYH3-related conditions. This variant is not present in population databases (gnomAD no frequency). This sequence change creates a premature translational stop signal (p.Glu180Asnfs*8) in the MYH3 gene. It is expected to result in an absent or disrupted protein product. Loss-of-function variants in MYH3 are known to be pathogenic (PMID: 29805041, 30008475).

Literature cited by the submitters: PubMed 29805041; PubMed 30008475.

NM_002470.4(MYH3):c.538del (p.Glu180fs)

Gene: MYH3 (myosin heavy chain 3; minus strand). Cytogenetic location: 17p13.1.
Variant type: Deletion.
Coding change: c.538del on transcript NM_002470.4 (MANE Select); coding-DNA position 538, one base deleted (G; older notation c.538delG).
Protein change: p.Glu180fs; shifts the reading frame from glutamic acid 180.
Molecular consequence: frameshift variant.
Genome position (GRCh38, 1-based): chr17:10,649,681, C deleted on the plus strand (G on the coding strand, the reverse complement: MYH3 is on the minus strand). VCF-style (leftmost placement, unchanged base first): chr17-10649680-TC-T. GRCh37 (hg19) VCF-style: chr17-10552997-TC-T.
Other names: short protein forms E180fs.
Identifiers: ClinVar variation 2027262 (VCV002027262.4), dbSNP rs2508638061, ClinGen allele CA2580092499.